The following is an entry in ClinVar:

NM_003002.4(SDHD):c.98C>A (p.Ala33Glu)

Gene: SDHD (succinate dehydrogenase complex subunit D; plus strand). Cytogenetic location: 11q23.1.
Variant type: single nucleotide variant.
Coding change: c.98C>A on transcript NM_003002.4 (MANE Select); coding-DNA position 98, C replaced by A.
Protein change: p.Ala33Glu; replaces alanine 33 with glutamic acid.
Molecular consequence: missense variant. On other transcripts: non-coding transcript variant (1), intron variant (1).
Genome position (GRCh38, 1-based): chr11:112,087,902, C>A. VCF-style: chr11-112087902-C-A. GRCh37 (hg19) VCF-style: chr11-111958626-C-A.
Other names: c.98C>A, p.Ala33Glu (NM_001276503.2, NM_001276506.2); c.52+943C>A (NM_001276504.2); short protein forms A33E.
Identifiers: ClinVar variation 1996565 (VCV001996565.4), dbSNP rs1566692246, ClinGen allele CA382616988.
Genomic context (GRCh38, chr11:112,087,902, plus strand): 5'-TGACTCTTTCCTCAGCTCTGTTGCTTCGAACTCCAGTGGTCAGACCTGCTCATATCTCAG[C>A]ATTTCTTCAGGACCGACCTATCCCAGAATGGTGTGGAGTGCAGCACATACACTTGTCACC-3'
Protein context (NP_002993.1, residues 23-43): TPVVRPAHIS[Ala33Glu]FLQDRPIPEW

ClinVar aggregate classification (germline): Uncertain significance (1 of 4 stars; one submission).

Conditions:
Paragangliomas with sensorineural hearing loss. Identifiers: MedGen C1868633.
Cowden syndrome 3 (CWS3). Identifiers: Orphanet 201, MedGen CN166604, MONDO:0014045.
Pheochromocytoma. Also called: MAX-Related Hereditary Paraganglioma-Pheochromocytoma Syndrome. Identifiers: Orphanet 29072, MedGen C0031511, MONDO:0008233, OMIM 171300, HP:0002666.
Carney-Stratakis syndrome. Also called: PARAGANGLIOMA AND GASTROINTESTINAL STROMAL TUMOR. Identifiers: Orphanet 97286, MedGen C1847319, MONDO:0011740, OMIM 606864.

Submission:

Labcorp Genetics (formerly Invitae), Labcorp
Classification: Uncertain significance for Carney-Stratakis syndrome; Paragangliomas with sensorineural hearing loss; Pheochromocytoma; Cowden syndrome 3. Last evaluated: 2022-05-19. Review status: criteria provided, single submitter. Criteria: Invitae Variant Classification Sherloc (09022015). Collection method: clinical testing. Allele origin: germline.
Comment: In summary, the available evidence is currently insufficient to determine the role of this variant in disease. Therefore, it has been classified as a Variant of Uncertain Significance. Advanced modeling of protein sequence and biophysical properties (such as structural, functional, and spatial information, amino acid conservation, physicochemical variation, residue mobility, and thermodynamic stability) performed at Invitae indicates that this missense variant is not expected to disrupt SDHD protein function. This variant has not been reported in the literature in individuals affected with SDHD-related conditions. This variant is not present in population databases (gnomAD no frequency). This sequence change replaces alanine, which is neutral and non-polar, with glutamic acid, which is acidic and polar, at codon 33 of the SDHD protein (p.Ala33Glu).